The following is an entry in ClinVar:

NM_001204.7(BMPR2):c.2150C>A (p.Ala717Glu)

Gene: BMPR2 (bone morphogenetic protein receptor type 2; plus strand). Cytogenetic location: 2q33.2.
Variant type: single nucleotide variant.
Coding change: c.2150C>A on transcript NM_001204.7 (MANE Select); coding-DNA position 2150, C replaced by A.
Protein change: p.Ala717Glu; replaces alanine 717 with glutamic acid.
Molecular consequence: missense variant.
Genome position (GRCh38, 1-based): chr2:202,555,815, C>A. VCF-style: chr2-202555815-C-A. GRCh37 (hg19) VCF-style: chr2-203420538-C-A.
Other names: short protein forms A717E.
Identifiers: ClinVar variation 4597805 (VCV004597805.1).

ClinVar aggregate classification (germline): Uncertain significance (1 of 4 stars; one submission).

Conditions:
Inborn genetic diseases. Identifiers: MedGen C0950123, MeSH D030342.

gnomAD v4.1: 1 of 1,614,084 alleles (0.000062%); highest among the groups gnomAD compares: African/African-American, 0.0013%; no homozygotes.

Submission:

Ambry Genetics
Classification: Uncertain significance for Inborn genetic diseases. Last evaluated: 2025-11-17. Review status: criteria provided, single submitter. Criteria: Ambry Variant Classification Scheme 2023. Collection method: clinical testing. Allele origin: germline.
Comment: The p.A717E variant (also known as c.2150C>A), located in coding exon 12 of the BMPR2 gene, results from a C to A substitution at nucleotide position 2150. The alanine at codon 717 is replaced by glutamic acid, an amino acid with dissimilar properties. This amino acid position is conserved. In addition, this alteration is predicted to be tolerated by in silico analysis. Based on the available evidence, the clinical significance of this variant remains unclear.